The following is an entry in ClinVar:

ClinVar aggregate classification (germline): Uncertain significance (1 of 4 stars; one submission).

Conditions:
Cardiomyopathy (CMYO). Also called: Cardiomyopathies. Identifiers: Orphanet 167848, MedGen C0878544, MONDO:0004994, HP:0001638. Inheritance: Various modes of inheritance.

Submission:

GeneDx
Classification: Uncertain significance for Cardiomyopathy. Last evaluated: 2013-07-29. Review status: criteria provided, single submitter. Criteria: GeneDx Variant Classification (06012015). Collection method: clinical testing. Allele origin: germline. Affected: yes.
Comment: c.654+2_654+4dupTGG: IVS5+4_IVS5+5insTGG in intron 5 of the MYBPC3 gene (NM_000256.3). The normal sequence with the bases that are inserted in braces is AGgtgg{tgg}gtcc, with uppercase letters representing exonic sequence and lowercase representing intronic sequence. The c.654+2_654+4dupTGG splice-site variant in the MYBPC3 gene has not been reported as a disease-causing mutation or as a benign polymorphism to our knowledge. In silico splice algorithms predict c.654+2_654+4dupTGG creates a stronger splice donor site downstream of the natural site, and therefore may cause abnormal gene splicing. Splice-site mutations in the MYBPC3 gene have been reported in association with cardiomyopathy. With the clinical and molecular information available at this time, we cannot definitively determine if c.654+2_654+4dupTGG is a disease-causing mutation or a rare benign variant. The variant is found in DCM panel(s).

NM_000256.3(MYBPC3):c.654+2_654+4dup

Gene: MYBPC3 (myosin binding protein C3; minus strand). Cytogenetic location: 11p11.2.
Variant type: Duplication.
Coding change: c.654+2_654+4dup on transcript NM_000256.3 (MANE Select); the canonical splice donor site of the intron after coding-DNA position 654 through 4 bases into the intron after coding-DNA position 654, 3 bases duplicated (TGG; older notation c.654+2_654+4dupTGG).
Molecular consequence: splice donor variant.
Genome position (GRCh38, 1-based): chr11:47,349,770-47,349,772, CCA duplicated on the plus strand (TGG on the coding strand, the reverse complement: MYBPC3 is on the minus strand); duplicating any 3 consecutive bases within chr11:47,349,770-47,349,774 gives the same sequence; the c. name uses the placement nearest the transcript's 3' end. VCF-style (leftmost placement, unchanged base first): chr11-47349769-C-CCCA. GRCh37 (hg19) VCF-style: chr11-47371320-C-CCCA.
Other names: c.654+2_654+4dup (LRG_386t1); c.654+2_654+4dupTGG (NM_000256.3).
Identifiers: ClinVar variation 181110 (VCV000181110.1), dbSNP rs730880682, ClinGen allele CA296442.